The following is an entry in ClinVar:

ClinVar aggregate classification (germline): Uncertain significance (1 of 4 stars; one submission).

Allele frequency attached by ClinVar (database versions not stated): gnomAD 0.00002; TOPMed 0.00002.
gnomAD v4.1: 10 of 1,208,186 alleles (0.00083%); highest among the groups gnomAD compares: Non-Finnish European, 0.0011%; no homozygotes.

Submission:

CeGaT Center for Human Genetics Tuebingen
Classification: Uncertain significance. Last evaluated: 2023-09-01. Review status: criteria provided, single submitter. Criteria: CeGaT Center For Human Genetics Tuebingen Variant Classification Criteria Version 2. Collection method: clinical testing. Allele origin: germline. Affected: yes. Observed: 1 variant allele.
Comment: DCX: PM2:Supporting, BP4

NM_001195553.2(DCX):c.-22-366C>T

Gene: DCX (doublecortin; minus strand). Cytogenetic location: Xq23.
Variant type: single nucleotide variant.
Coding change: c.-22-366C>T on transcript NM_001195553.2 (MANE Select); 366 bases into the intron before 22 bases upstream of the start codon, C replaced by T.
Molecular consequence: intron variant. On other transcripts: synonymous variant (1).
Genome position (GRCh38, 1-based): chrX:111,410,786, G>A on the plus strand (C>T on the coding strand, the complement: DCX is on the minus strand). VCF-style: chrX-111410786-G-A. GRCh37 (hg19) VCF-style: chrX-110654014-G-A.
Other names: c.189C>T, p.Ser63= (NM_000555.3); c.-22-366C>T (NM_001369373.1, NM_178153.3, NM_001369372.1 and 6 more transcripts).
Identifiers: ClinVar variation 2583086 (VCV002583086.25), dbSNP rs1405111726, ClinGen allele CA518033321.